The following is an entry in ClinVar:

ClinVar aggregate classification (germline): Benign/Likely benign. Review status: criteria provided, multiple submitters, no conflicts (2 of 4 stars). 7 submissions from 7 submitters: Benign (3); Likely benign (4). Last evaluated 2026-01-11.

Conditions:
Connective tissue disorder. Also called: Connective tissue disease. Identifiers: MedGen C0009782, MONDO:0003900.

Allele frequency attached by ClinVar (database versions not stated): ESP Exome Variant Server 0.00046; TOPMed 0.00054; 1000 Genomes Project 30x 0.00078; 1000 Genomes Project 0.00080; ExAC 0.00085; gnomAD 0.00118.
gnomAD v4.1: 1,742 of 1,611,366 alleles (0.11%); highest among the groups gnomAD compares: Non-Finnish European, 0.1%; 1 homozygote.

Submissions (7):

Labcorp Genetics (formerly Invitae), Labcorp
Classification: Benign. Last evaluated: 2026-01-11. Review status: criteria provided, single submitter. Criteria: Invitae Variant Classification Sherloc (09022015). Collection method: clinical testing. Allele origin: germline.

Blueprint Genetics
Classification: Likely benign. Last evaluated: 2024-11-21. Review status: criteria provided, single submitter. Criteria: ACMG Guidelines, 2015. Collection method: clinical testing. Allele origin: germline.

CeGaT Center for Human Genetics Tuebingen
Classification: Likely benign. Last evaluated: 2023-03-01. Review status: criteria provided, single submitter. Criteria: CeGaT Center For Human Genetics Tuebingen Variant Classification Criteria Version 2. Collection method: clinical testing. Allele origin: germline. Affected: yes. Observed: 1 variant allele.
Comment: HSPG2: BP4, BS2

GeneDx
Classification: Likely benign. Last evaluated: 2022-08-30. Review status: criteria provided, single submitter. Criteria: GeneDx Variant Classification Process June 2021. Collection method: clinical testing. Allele origin: germline. Affected: yes.
Comment: See Variant Classification Assertion Criteria.

Genome Diagnostics Laboratory, The Hospital for Sick Children
Classification: Likely benign for Connective tissue disorder. Last evaluated: 2020-02-01. Review status: criteria provided, single submitter. Criteria: ACMG Guidelines, 2015. Collection method: clinical testing. Allele origin: germline.

Athena Diagnostics
Classification: Benign. Last evaluated: 2018-09-14. Review status: criteria provided, single submitter. Criteria: Athena Diagnostics Criteria. Collection method: clinical testing. Allele origin: germline.

Breakthrough Genomics
Classification: Benign. Review status: criteria provided, single submitter. Criteria: ACMG Guidelines, 2015. Collection method: not provided. Allele origin: germline. Inheritance: Autosomal recessive inheritance. Affected: yes.

NM_005529.7(HSPG2):c.5160C>T (p.Ser1720=)

Gene: HSPG2 (heparan sulfate proteoglycan 2; minus strand). Cytogenetic location: 1p36.12.
Variant type: single nucleotide variant.
Coding change: c.5160C>T on transcript NM_005529.7 (MANE Select); coding-DNA position 5160, C replaced by T.
Protein change: p.Ser1720=; no amino-acid change (serine 1720 retained).
Molecular consequence: synonymous variant.
Genome position (GRCh38, 1-based): chr1:21,859,857, G>A on the plus strand (C>T on the coding strand, the complement: HSPG2 is on the minus strand). VCF-style: chr1-21859857-G-A. GRCh37 (hg19) VCF-style: chr1-22186350-G-A.
Other names: c.5163C>T, p.Ser1721= (NM_001291860.2).
Identifiers: ClinVar variation 711663 (VCV000711663.40), dbSNP rs138980184, ClinGen allele CA672044.